The following is an entry in ClinVar:

ClinVar aggregate classification (germline): Uncertain significance (1 of 4 stars; one submission).

Submission:

GeneDx
Classification: Uncertain significance. Last evaluated: 2024-07-18. Review status: criteria provided, single submitter. Criteria: GeneDx Variant Classification Process June 2021. Collection method: clinical testing. Allele origin: germline. Affected: yes.
Comment: Frameshift variant predicted to result in abnormal protein length as the last 1 amino acid is replaced with 57 different amino acids; Not observed at significant frequency in large population cohorts (gnomAD); Has not been previously published as pathogenic or benign to our knowledge

NM_015001.3(SPEN):c.10991del (p.Val3664fs)

Gene: SPEN (spen family transcriptional repressor; plus strand). Cytogenetic location: 1p36.13.
Variant type: Deletion.
Coding change: c.10991del on transcript NM_015001.3 (MANE Select); coding-DNA position 10991, one base deleted (T; older notation c.10991delT).
Protein change: p.Val3664fs; shifts the reading frame from valine 3664.
Molecular consequence: frameshift variant.
Genome position (GRCh38, 1-based): chr1:15,939,423, T deleted. VCF-style (leftmost placement, unchanged base first): chr1-15939422-GT-G. GRCh37 (hg19) VCF-style: chr1-16265917-GT-G.
Other names: short protein forms V3664fs.
Identifiers: ClinVar variation 3600733 (VCV003600733.1).